The following is an entry in ClinVar:

NM_000789.4(ACE):c.57G>A (p.Leu19=)

Gene: ACE (angiotensin I converting enzyme; plus strand). Cytogenetic location: 17q23.3.
Variant type: single nucleotide variant.
Coding change: c.57G>A on transcript NM_000789.4 (MANE Select); coding-DNA position 57, G replaced by A.
Protein change: p.Leu19=; no amino-acid change (leucine 19 retained).
Molecular consequence: synonymous variant. On other transcripts: 5 prime UTR variant (2).
Genome position (GRCh38, 1-based): chr17:63,477,151, G>A. VCF-style: chr17-63477151-G-A. GRCh37 (hg19) VCF-style: chr17-61554512-G-A.
Other names: c.-179G>A (NM_001382700.1); c.-558G>A (NM_001382701.1).
Identifiers: ClinVar variation 3059091 (VCV003059091.2), dbSNP rs1384710532, ClinGen allele CA501341311.
Genomic context (GRCh38, chr17:63,477,151, plus strand): 5'-CGTCATGGGGGCCGCCTCGGGCCGCCGGGGGCCGGGGCTGCTGCTGCCGCTGCCGCTGCT[G>A]TTGCTGCTGCCGCCGCAGCCCGCCCTGGCGTTGGACCCCGGGCTGCAGCCCGGCAACTTT-3'
Protein context (NP_000780.1, residues 9-29): GPGLLLPLPL[Leu19=]LLLPPQPALA

ClinVar aggregate classification (germline): Likely benign (0 of 4 stars; one submission).

Conditions:
ACE-related disorder. Also called: ACE-related disorders; ACE-related condition.

gnomAD v4.1: 31 of 1,445,934 alleles (0.0021%); highest among the groups gnomAD compares: Non-Finnish European, 0.0028%; no homozygotes.

Submission:

PreventionGenetics, part of Exact Sciences
Classification: Likely benign for ACE-related condition. Last evaluated: 2021-07-28. Review status: no assertion criteria provided. Collection method: clinical testing. Allele origin: germline.
Comment: This variant is classified as likely benign based on ACMG/AMP sequence variant interpretation guidelines (Richards et al. 2015 PMID: 25741868, with internal and published modifications).